The following is an entry in ClinVar:

ClinVar aggregate classification (germline): Uncertain significance (1 of 4 stars; one submission).

Allele frequency attached by ClinVar (database versions not stated): gnomAD 0.00001.

Submission:

Labcorp Genetics (formerly Invitae), Labcorp
Classification: Uncertain significance. Last evaluated: 2023-12-21. Review status: criteria provided, single submitter. Criteria: Invitae Variant Classification Sherloc (09022015). Collection method: clinical testing. Allele origin: germline.
Comment: This sequence change replaces histidine, which is basic and polar, with glutamine, which is neutral and polar, at codon 285 of the CYP11B2 protein (p.His285Gln). This variant is not present in population databases (gnomAD no frequency). This variant has not been reported in the literature in individuals affected with CYP11B2-related conditions. ClinVar contains an entry for this variant (Variation ID: 2169780). Advanced modeling of protein sequence and biophysical properties (such as structural, functional, and spatial information, amino acid conservation, physicochemical variation, residue mobility, and thermodynamic stability) performed at Invitae indicates that this missense variant is not expected to disrupt CYP11B2 protein function with a negative predictive value of 95%. In summary, the available evidence is currently insufficient to determine the role of this variant in disease. Therefore, it has been classified as a Variant of Uncertain Significance.

NM_000498.3(CYP11B2):c.855C>G (p.His285Gln)

Genes: CYP11B2 (cytochrome P450 family 11 subfamily B member 2; minus strand), LOC106799834 (CYP11B2 recombination region; plus strand). Cytogenetic location: 8q24.3.
Variant type: single nucleotide variant.
Coding change: c.855C>G on transcript NM_000498.3 (MANE Select); coding-DNA position 855, C replaced by G.
Protein change: p.His285Gln; replaces histidine 285 with glutamine.
Molecular consequence: missense variant.
Genome position (GRCh38, 1-based): chr8:142,914,363, G>C on the plus strand (C>G on the coding strand, the complement: CYP11B2 is on the minus strand). VCF-style: chr8-142914363-G-C. GRCh37 (hg19) VCF-style: chr8-143995779-G-C.
Other names: short protein forms H285Q.
Identifiers: ClinVar variation 2169780 (VCV002169780.4), dbSNP rs1159425804, ClinGen allele CA372388765.